The following is an entry in ClinVar:

ClinVar aggregate classification (germline): Likely pathogenic (1 of 4 stars; one submission).

Conditions:
Waardenburg syndrome type 4C (WS4C). Also called: WAARDENBURG SYNDROME WITH HIRSCHSPRUNG DISEASE, TYPE 4C. Identifiers: Orphanet 897, MedGen C2750452, MONDO:0013202, OMIM 613266.

Submission:

Institute of Rare Diseases, West China Hospital, Sichuan University
Classification: Likely pathogenic for Waardenburg syndrome type 4C. Last evaluated: 2025-01-09. Review status: criteria provided, single submitter. Criteria: ClinGen HL ACMG Specifications v1. Collection method: research. Allele origin: germline. Affected: yes.
Comment: PM1;PP3;PP1;PP4;PM2_Supporting

NM_006941.4(SOX10):c.698-3C>G

Genes: POLR2F (RNA polymerase II, I and III subunit F; plus strand), SOX10 (SRY-box transcription factor 10; minus strand). Cytogenetic location: 22q13.1.
Variant type: single nucleotide variant.
Coding change: c.698-3C>G on transcript NM_006941.4 (MANE Select); 3 bases into the intron before coding-DNA position 698, C replaced by G.
Molecular consequence: intron variant.
Genome position (GRCh38, 1-based): chr22:37,974,201, G>C on the plus strand (C>G on the coding strand, the complement: SOX10 is on the minus strand). VCF-style: chr22-37974201-G-C. GRCh37 (hg19) VCF-style: chr22-38370208-G-C.
Other names: c.*38+1891G>C (NM_001363825.1); c.293+7031G>C (NM_001301130.2, NM_001301131.2).
Identifiers: ClinVar variation 3601850 (VCV003601850.1).